The following is an entry in ClinVar:

ClinVar aggregate classification (germline): Conflicting classifications of pathogenicity. Review status: criteria provided, conflicting classifications (1 of 4 stars). 4 submissions from 4 submitters: Uncertain significance (2); Likely benign (2). Last evaluated 2025-05-11.

Conditions:
Hereditary cancer-predisposing syndrome. Also called: Tumor predisposition; Hereditary Cancer Syndrome; Neoplastic Syndromes, Hereditary; Hereditary neoplastic syndrome. Identifiers: Orphanet 140162, MedGen C0027672, MeSH D009386, MONDO:0015356.
Hereditary breast ovarian cancer syndrome. Also called: Hereditary breast and ovarian cancer; Breast and ovarian cancer; Hereditary breast and/or ovarian cancer syndrome; Hereditary breast and ovarian cancer syndrome; BRCA1- and BRCA2-Associated Hereditary Breast and Ovarian Cancer; Hereditary breast and ovarian cancer syndrome (HBOC). Identifiers: Orphanet 145, MedGen C0677776, MeSH D061325, MONDO:0003582. Disease mechanism: loss of function.

Allele frequency attached by ClinVar (database versions not stated): gnomAD exomes below 0.00001; TOPMed below 0.00001; ExAC 0.00001; gnomAD 0.00001; ESP Exome Variant Server 0.00008.
gnomAD v4.1: 1 of 1,609,162 alleles (0.000062%); highest among the groups gnomAD compares: Non-Finnish European, 0.000085%; no homozygotes.

Submissions (4):

Labcorp Genetics (formerly Invitae), Labcorp
Classification: Likely benign for Hereditary breast ovarian cancer syndrome. Last evaluated: 2025-05-11. Review status: criteria provided, single submitter. Criteria: Invitae Variant Classification Sherloc (09022015). Collection method: clinical testing. Allele origin: germline.

Ambry Genetics
Classification: Likely benign for Hereditary cancer-predisposing syndrome. Last evaluated: 2023-04-10. Review status: criteria provided, single submitter. Criteria: Ambry Variant Classification Scheme 2023. Collection method: clinical testing. Allele origin: germline.

Quest Diagnostics Nichols Institute San Juan Capistrano
Classification: Uncertain significance. Last evaluated: 2023-04-04. Review status: criteria provided, single submitter. Criteria: Quest Diagnostics criteria. Collection method: clinical testing. Allele origin: unknown.
Comment: The frequency of this variant in the general population, 0.000004 (1/250638 chromosomes), is uninformative in assessment of its pathogenicity. To the best of our knowledge, this variant has not been reported in the published literature. However, in a published functional study using a minigene assay, a variant at the same nucleotide position (BRCA2 c.8954-3C>G), resulted in aberrant splicing and a truncated protein product (PMID: 22632462 (2012)). Analysis of this variant using software algorithms for the prediction of the effect of nucleotide changes on splicing yielded predictions that the c.8954-3C>T variant does not affect BRCA2 mRNA splicing . Based on the available information, we are unable to determine the clinical significance of the BRCA2 c.8954-3C>T variant.

GeneDx
Classification: Uncertain significance. Last evaluated: 2020-10-07. Review status: criteria provided, single submitter. Criteria: GeneDx Variant Classification Process June 2021. Collection method: clinical testing. Allele origin: germline. Affected: yes.
Comment: Not observed at a significant frequency in large population cohorts (Lek 2016); Has not been previously published as pathogenic or benign to our knowledge; In-silico analysis, which includes splice predictors and evolutionary conservation, is inconclusive as to whether the variant alters gene splicing. In the absence of RNA/functional studies, the actual effect of this sequence change is unknown.; Also known as 9182-3C>T

Literature cited by the submitters: PubMed 22632462 (cited by Quest Diagnostics Nichols Institute San Juan Capistrano).

NM_000059.4(BRCA2):c.8954-3C>T

Gene: BRCA2 (BRCA2 DNA repair associated; plus strand). Cytogenetic location: 13q13.1.
Variant type: single nucleotide variant.
Coding change: c.8954-3C>T on transcript NM_000059.4 (MANE Select); 3 bases into the intron before coding-DNA position 8954, C replaced by T.
Molecular consequence: intron variant.
Genome position (GRCh38, 1-based): chr13:32,379,747, C>T. VCF-style: chr13-32379747-C-T. GRCh37 (hg19) VCF-style: chr13-32953884-C-T.
Identifiers: ClinVar variation 822839 (VCV000822839.13), dbSNP rs81002844, ClinGen allele CA6941322.